The following is an entry in ClinVar:

ClinVar aggregate classification (germline): Likely benign (3 of 4 stars; one submission).

Conditions:
Breast-ovarian cancer, familial, susceptibility to, 2 (BROVCA2). Also called: BRCA2 Hereditary Breast and Ovarian Cancer. Identifiers: Orphanet 145, MedGen C2675520, MONDO:0012933, OMIM 612555. Disease mechanism: loss of function.

Allele frequency attached by ClinVar (database versions not stated): TOPMed below 0.00001.

Submission:

Evidence-based Network for the Interpretation of Germline Mutant Alleles (ENIGMA)
Classification: Likely benign for Breast-ovarian cancer, familial, susceptibility to, 2. Last evaluated: 2017-06-29. Review status: reviewed by expert panel. Criteria: ENIGMA BRCA1/2 Classification Criteria (2017-06-29). Collection method: curation. Allele origin: germline.
Comment: Synonymous substitution variant, with low bioinformatic likelihood to result in a splicing aberration (Splicing prior probability 0.02).

NM_000059.4(BRCA2):c.3393A>G (p.Arg1131=)

Gene: BRCA2 (BRCA2 DNA repair associated; plus strand). Cytogenetic location: 13q13.1.
Variant type: single nucleotide variant.
Coding change: c.3393A>G on transcript NM_000059.4 (MANE Select); coding-DNA position 3393, A replaced by G.
Protein change: p.Arg1131=; no amino-acid change (arginine 1131 retained).
Molecular consequence: synonymous variant.
Genome position (GRCh38, 1-based): chr13:32,337,748, A>G. VCF-style: chr13-32337748-A-G. GRCh37 (hg19) VCF-style: chr13-32911885-A-G.
Identifiers: ClinVar variation 427399 (VCV000427399.3), dbSNP rs1131692123, ClinGen allele CA483437369.
Genomic context (GRCh38, chr13:32,337,748, plus strand): 5'-TACAGAACTTTCTACTATATTAGAAGAATCAGGAAGTCAGTTTGAATTTACTCAGTTTAG[A>G]AAACCAAGCTACATATTGCAGAAGAGTACATTTGAAGTGCCTGAAAACCAGATGACTATC-3'
Protein context (NP_000050.3, residues 1121-1141): SGSQFEFTQF[Arg1131=]KPSYILQKST